The following is an entry in ClinVar:

NM_001367225.1(CA5A):c.899A>G (p.His300Arg)

Gene: CA5A (carbonic anhydrase 5A; minus strand). Cytogenetic location: 16q24.2.
Variant type: single nucleotide variant.
Coding change: c.899A>G on transcript NM_001367225.1; coding-DNA position 899, A replaced by G.
Protein change: p.His300Arg; replaces histidine 300 with arginine.
Molecular consequence: missense variant.
Genome position (GRCh38, 1-based): chr16:87,881,815, T>C on the plus strand (A>G on the coding strand, the complement: CA5A is on the minus strand). VCF-style: chr16-87881815-T-C. GRCh37 (hg19) VCF-style: chr16-87915421-T-C.
Other names: short protein forms H300R.
Identifiers: ClinVar variation 2671781 (VCV002671781.1), dbSNP rs937413509, ClinGen allele CA2240746703.

ClinVar aggregate classification (germline): Uncertain significance (1 of 4 stars; one submission).

Conditions:
Hyperammonemic encephalopathy due to carbonic anhydrase VA deficiency. Also called: Carbonic anhydrase VA deficiency, hyperammonemia due to; Carbonic Anhydrase VA Deficiency. Identifiers: Orphanet 401948, MedGen C4706871, MONDO:0014332, OMIM 615751.

Submission:

Neuberg Centre For Genomic Medicine, NCGM
Classification: Uncertain significance for Hyperammonemic encephalopathy due to carbonic anhydrase VA deficiency. Last evaluated: 2023-02-14. Review status: criteria provided, single submitter. Criteria: ACMG Guidelines, 2015. Collection method: clinical testing. Allele origin: germline. Inheritance: Autosomal recessive inheritance. Affected: yes.
Comment: The missense c.899A>G (p.His300Arg) variant in CA5A gene has not been reported previously as a pathogenic variant nor as a benign variant, to our knowledge. The p.His300Arg variant is novel (not in any individuals) in gnomAD Exomes and 1000 Genomes. This variant has not been reported to the ClinVar database. The amino acid His at position 300 is changed to a Arg changing protein sequence and it might alter its composition and physico-chemical properties. For these reasons, this variant has been classified as Variant of Uncertain Significance (VUS). In the absence of another reportable variant in CA5A gene, the molecular diagnosis is not confirmed.